The following is an entry in ClinVar:

NM_007214.5(SEC63):c.*256T>C

Gene: SEC63 (SEC63 homolog, protein translocation regulator; minus strand). Cytogenetic location: 6q21.
Variant type: single nucleotide variant.
Coding change: c.*256T>C on transcript NM_007214.5 (MANE Select); 256 bases downstream of the stop codon, T replaced by C.
Molecular consequence: 3 prime UTR variant.
Genome position (GRCh38, 1-based): chr6:107,871,448, A>G on the plus strand (T>C on the coding strand, the complement: SEC63 is on the minus strand). VCF-style: chr6-107871448-A-G. GRCh37 (hg19) VCF-style: chr6-108192652-A-G.
Identifiers: ClinVar variation 354886 (VCV000354886.7), dbSNP rs111637159, ClinGen allele CA10625520.

ClinVar aggregate classification (germline): Benign/Likely benign. Review status: criteria provided, multiple submitters, no conflicts (2 of 4 stars). 2 submissions from 2 submitters: Benign (1); Likely benign (1). Last evaluated 2020-02-05.

Conditions:
Polycystic liver disease 2 (PCLD2). Also called: Polycystic liver disease 2 with or without kidney cysts. Identifiers: Orphanet 2924, MedGen C4310769, MONDO:0014860, OMIM 617004.

Allele frequency attached by ClinVar (database versions not stated): 1000 Genomes Project 30x 0.00375; gnomAD exomes 0.00679; 1000 Genomes Project 0.00280; gnomAD 0.00598 and 0.00617; TOPMed 0.00674.
gnomAD v4.1: 3,203 of 485,872 alleles (0.66%); highest among the groups gnomAD compares: Non-Finnish European, 0.97%; 15 homozygotes.

Submissions (2):

GeneDx
Classification: Likely benign. Last evaluated: 2020-02-05. Review status: criteria provided, single submitter. Criteria: GeneDx Variant Classification Process June 2021. Collection method: clinical testing. Allele origin: germline. Affected: yes.

Illumina Laboratory Services, Illumina
Classification: Benign for Polycystic liver disease 2. Last evaluated: 2018-01-13. Review status: criteria provided, single submitter. Criteria: ICSL Variant Classification Criteria 13 December 2019. Collection method: clinical testing. Allele origin: germline.
Comment: This variant was observed in the ICSL laboratory as part of a predisposition screen in an ostensibly healthy population. It had not been previously curated by ICSL or reported in the Human Gene Mutation Database (HGMD: prior to June 1st, 2018), and was therefore a candidate for classification through an automated scoring system. Utilizing variant allele frequency, disease prevalence and penetrance estimates, and inheritance mode, an automated score was calculated to assess if this variant is too frequent to cause the disease. Based on the score and internal cut-off values, a variant classified as benign is not then subjected to further curation. The score for this variant resulted in a classification of benign for this disease.